The following is an entry in ClinVar:

NM_014339.7(IL17RA):c.2000C>G (p.Thr667Ser)

Gene: IL17RA (interleukin 17 receptor A; plus strand). Cytogenetic location: 22q11.1.
Variant type: single nucleotide variant.
Coding change: c.2000C>G on transcript NM_014339.7 (MANE Select); coding-DNA position 2000, C replaced by G.
Protein change: p.Thr667Ser; replaces threonine 667 with serine.
Molecular consequence: missense variant.
Genome position (GRCh38, 1-based): chr22:17,109,219, C>G. VCF-style: chr22-17109219-C-G. GRCh37 (hg19) VCF-style: chr22-17590109-C-G.
Other names: c.1898C>G, p.Thr633Ser (NM_001289905.2); c.2000C>G (NM_014339.5); short protein forms T667S, T633S.
Identifiers: ClinVar variation 1414991 (VCV001414991.9), dbSNP rs748566718, ClinGen allele CA10086887.

ClinVar aggregate classification (germline): Uncertain significance. Review status: criteria provided, multiple submitters, no conflicts (2 of 4 stars). 3 submissions from 3 submitters: Uncertain significance (3). Last evaluated 2024-10-25.

Conditions:
Immunodeficiency 51 (IMD51). Also called: CANDIDIASIS, FAMILIAL, 5. Identifiers: Orphanet 1334, MedGen C4310803, MONDO:0013500, OMIM 613953.

Allele frequency attached by ClinVar (database versions not stated): gnomAD exomes 0.00004.
gnomAD v4.1: 53 of 1,497,694 alleles (0.0035%); highest among the groups gnomAD compares: Non-Finnish European, 0.0035%; no homozygotes.

Submissions (3):

Labcorp Genetics (formerly Invitae), Labcorp
Classification: Uncertain significance for Immunodeficiency 51. Last evaluated: 2024-10-25. Review status: criteria provided, single submitter. Criteria: Invitae Variant Classification Sherloc (09022015). Collection method: clinical testing. Allele origin: germline.
Comment: This sequence change replaces threonine, which is neutral and polar, with serine, which is neutral and polar, at codon 667 of the IL17RA protein (p.Thr667Ser). This variant is present in population databases (rs748566718, gnomAD 0.04%). This variant has not been reported in the literature in individuals affected with IL17RA-related conditions. ClinVar contains an entry for this variant (Variation ID: 1414991). Invitae Evidence Modeling of protein sequence and biophysical properties (such as structural, functional, and spatial information, amino acid conservation, physicochemical variation, residue mobility, and thermodynamic stability) indicates that this missense variant is not expected to disrupt IL17RA protein function with a negative predictive value of 80%. In summary, the available evidence is currently insufficient to determine the role of this variant in disease. Therefore, it has been classified as a Variant of Uncertain Significance.

Ambry Genetics
Classification: Uncertain significance. Last evaluated: 2023-02-16. Review status: criteria provided, single submitter. Criteria: Ambry Variant Classification Scheme 2023. Collection method: clinical testing. Allele origin: germline.

New York Genome Center
Classification: Uncertain significance for Immunodeficiency 51. Last evaluated: 2021-07-09. Review status: criteria provided, single submitter. Criteria: NYGC Assertion Criteria 2020. Collection method: clinical testing. Allele origin: inherited. Observed: 1 heterozygote. Study: CSER-NYCKidSeq.